The following is an entry in ClinVar:

NM_000026.4(ADSL):c.482A>G (p.Gln161Arg)

Gene: ADSL (adenylosuccinate lyase; plus strand). Cytogenetic location: 22q13.1.
Variant type: single nucleotide variant.
Coding change: c.482A>G on transcript NM_000026.4 (MANE Select); coding-DNA position 482, A replaced by G.
Protein change: p.Gln161Arg; replaces glutamine 161 with arginine.
Molecular consequence: missense variant. On other transcripts: non-coding transcript variant (1).
Genome position (GRCh38, 1-based): chr22:40,354,327, A>G. VCF-style: chr22-40354327-A-G. GRCh37 (hg19) VCF-style: chr22-40750331-A-G.
Other names: p.Q161R:CAG>CGG; c.482A>G, p.Gln161Arg (NM_001123378.3, NM_001363840.3); c.290A>G, p.Gln97Arg (NM_001317923.2); short protein forms Q161R, Q97R.
Identifiers: ClinVar variation 204812 (VCV000204812.11), dbSNP rs8192457, ClinGen allele CA313138.

ClinVar aggregate classification (germline): Uncertain significance. Review status: criteria provided, multiple submitters, no conflicts (2 of 4 stars). 2 submissions from 2 submitters: Uncertain significance (2). Last evaluated 2024-05-10.

Conditions:
Adenylosuccinate lyase deficiency (ADSLD). Also called: ADSL DEFICIENCY. Identifiers: Orphanet 46, MedGen C0268126, MONDO:0007068, OMIM 103050.

Allele frequency attached by ClinVar (database versions not stated): gnomAD 0.00001; gnomAD exomes 0.00001 and 0.00002; TOPMed 0.00001; ExAC 0.00002.

Submissions (2):

GeneDx
Classification: Uncertain significance. Last evaluated: 2024-05-10. Review status: criteria provided, single submitter. Criteria: GeneDx Variant Classification Process June 2021. Collection method: clinical testing. Allele origin: germline. Affected: yes.
Comment: Not observed at significant frequency in large population cohorts (gnomAD); In silico analysis supports that this missense variant has a deleterious effect on protein structure/function; Has not been previously published as pathogenic or benign to our knowledge

Labcorp Genetics (formerly Invitae), Labcorp
Classification: Uncertain significance for Adenylosuccinate lyase deficiency. Last evaluated: 2023-10-03. Review status: criteria provided, single submitter. Criteria: Invitae Variant Classification Sherloc (09022015). Collection method: clinical testing. Allele origin: germline.
Comment: This sequence change replaces glutamine, which is neutral and polar, with arginine, which is basic and polar, at codon 161 of the ADSL protein (p.Gln161Arg). This variant is present in population databases (rs8192457, gnomAD 0.009%). This variant has not been reported in the literature in individuals affected with ADSL-related conditions. ClinVar contains an entry for this variant (Variation ID: 204812). An algorithm developed to predict the effect of missense changes on protein structure and function (PolyPhen-2) suggests that this variant is likely to be disruptive. In summary, the available evidence is currently insufficient to determine the role of this variant in disease. Therefore, it has been classified as a Variant of Uncertain Significance.